The following is an entry in ClinVar:

NM_152564.5(VPS13B):c.2158C>T (p.Gln720Ter)

Gene: VPS13B (vacuolar protein sorting 13 homolog B; plus strand). Cytogenetic location: 8q22.2.
Variant type: single nucleotide variant.
Coding change: c.2158C>T on transcript NM_152564.5 (MANE Select); coding-DNA position 2158, C replaced by T.
Protein change: p.Gln720Ter; replaces glutamine 720 with a stop codon.
Molecular consequence: nonsense.
Genome position (GRCh38, 1-based): chr8:99,156,693, C>T. VCF-style: chr8-99156693-C-T. GRCh37 (hg19) VCF-style: chr8-100168921-C-T.
Other names: c.2158C>T (NM_152564.4); c.2158C>T, p.Gln720Ter (NM_015243.3, NM_017890.5); short protein forms Q720*.
Identifiers: ClinVar variation 369684 (VCV000369684.20), dbSNP rs777593389, ClinGen allele CA4822835.
Genomic context (GRCh38, chr8:99,156,693, plus strand): 5'-CTGGAACATTCAGTGCCAATGTATGCTGAACAGTTGGTGCATGTGGTCAGCAGCCTTACT[C>T]AACCTTCTGATAACCTGCTTCATTATTGTTATGTACACTGCTATCTTAAGGTATGAAAAG-3'

ClinVar aggregate classification (germline): Pathogenic/Likely pathogenic. Review status: criteria provided, multiple submitters, no conflicts (2 of 4 stars). 8 submissions from 8 submitters: Pathogenic (6); Likely pathogenic (1). 1 of the submissions does not count toward it. Last evaluated 2026-01-13.

Conditions:
VPS13B-related disorder. Also called: VPS13B-related condition.
Cohen syndrome (COH1). Also called: PEPPER SYNDROME; Cutis verticis gyrata, retinitis pigmentosa, and sensorineural deafness. Identifiers: Orphanet 193, MedGen C0265223, MONDO:0008999, OMIM 216550.

Allele frequency attached by ClinVar (database versions not stated): gnomAD exomes below 0.00001 and 0.00001; ExAC 0.00001.
gnomAD v4.1: 15 of 1,614,058 alleles (0.00093%); highest among the groups gnomAD compares: Non-Finnish European, 0.0012%; no homozygotes.

Submissions (8):

PreventionGenetics, part of Exact Sciences
Classification: Pathogenic for VPS13B-related condition. Last evaluated: 2026-01-13. Review status: criteria provided, single submitter. Criteria: ACMG Guidelines, 2015. Collection method: clinical testing. Allele origin: germline.
Comment: The VPS13B c.2158C>T variant is predicted to result in premature protein termination (p.Gln720*). This variant has previously been reported in the compound heterozygous state in individuals with Cohen syndrome (Supplementary Table 1, Stark et al. 2016. PubMed ID: 26938784; Supplementary Table 1, Dillon et al. 2018. PubMed ID: 29453417). This variant is reported in 0.00088% of alleles in individuals of European (Non-Finnish) descent in gnomAD. Nonsense variants in VPS13B are considered to be pathogenic. This variant is interpret as pathogenic.

Natera, Inc.
Classification: Pathogenic for Cohen syndrome. Last evaluated: 2025-04-29. Review status: criteria provided, single submitter. Criteria: Natera Variant Classification Schema (03/2026). Collection method: clinical testing. Allele origin: germline.
Comment: The c.2158C>T variant in VPS13B is a nonsense variant predicted to introduce a stop codon at amino acid 720. This variant is expected to result in nonsense mediated decay, truncation, or a dysfunctional protein product. This variant is rare in the general population with a frequency below the threshold expected for the associated phenotype(s). This variant has been observed in one or more individuals affected with the associated recessive disease, as either homozygous or compound heterozygous with a second variant (PMID: 26938784). Given the available evidence, this variant is classified as Pathogenic.

Blueprint Genetics
Classification: Likely pathogenic for VPS13B-related disorders. Last evaluated: 2024-07-15. Review status: criteria provided, single submitter. Criteria: ACMG Guidelines, 2015. Collection method: clinical testing. Allele origin: germline. Affected: yes. Observed: 1 variant allele.

Fulgent Genetics
Classification: Pathogenic for Cohen syndrome. Last evaluated: 2024-05-02. Review status: criteria provided, single submitter. Criteria: ACMG Guidelines, 2015. Collection method: clinical testing. Allele origin: germline.

Labcorp Genetics (formerly Invitae), Labcorp
Classification: Pathogenic for Cohen syndrome. Last evaluated: 2023-12-29. Review status: criteria provided, single submitter. Criteria: Invitae Variant Classification Sherloc (09022015). Collection method: clinical testing. Allele origin: germline.
Comment: This sequence change creates a premature translational stop signal (p.Gln720*) in the VPS13B gene. It is expected to result in an absent or disrupted protein product. Loss-of-function variants in VPS13B are known to be pathogenic (PMID: 15141358, 16648375, 20461111). This variant is present in population databases (rs777593389, gnomAD 0.0009%). This premature translational stop signal has been observed in individual(s) with clinical features of Cohen syndrome (PMID: 26938784). In at least one individual the data is consistent with being in trans (on the opposite chromosome) from a pathogenic variant. ClinVar contains an entry for this variant (Variation ID: 369684). Algorithms developed to predict the effect of sequence changes on RNA splicing suggest that this variant may disrupt the consensus splice site. For these reasons, this variant has been classified as Pathogenic.

Greenwood Genetic Center Diagnostic Laboratories, Greenwood Genetic Center
Classification: Pathogenic for Cohen syndrome. Last evaluated: 2022-10-11. Review status: criteria provided, single submitter. Criteria: ACMG Guidelines, 2015. Collection method: clinical testing. Allele origin: germline. Affected: yes.
Comment: PVS1, PM2, PM3

Victorian Clinical Genetics Services, Murdoch Childrens Research Institute
Classification: Pathogenic for Cohen syndrome. Last evaluated: 2015-08-21. Review status: criteria provided, single submitter. Criteria: ACMG Guidelines, 2015. Collection method: clinical testing. Allele origin: maternal. Inheritance: Autosomal recessive inheritance. Affected: yes. Observed: 2 variant alleles.
Comment: This single nucleotide substitution results in a premature stop codon at position 720, NP_060360.3(VPS13B): p.(Gln720*). This is a novel variant not reported in disease or population databases. It was identified in trans with a second previously published pathogenic variant in this gene, p.(Trp963*).

Counsyl
Classification: Likely pathogenic for Cohen syndrome. Last evaluated: 2017-10-24. Review status: no assertion criteria provided. Collection method: clinical testing. Allele origin: unknown. Not counted in ClinVar's aggregate classification.

Literature cited by the submitters: PubMed 26938784 (cited by 4 submitters); PubMed 15141358 (cited by Labcorp Genetics (formerly Invitae), Labcorp); PubMed 16648375 (cited by Labcorp Genetics (formerly Invitae), Labcorp); PubMed 20461111 (cited by Labcorp Genetics (formerly Invitae), Labcorp).